The following is an entry in ClinVar:

ClinVar aggregate classification (germline): Uncertain significance (1 of 4 stars; one submission).

Allele frequency attached by ClinVar (database versions not stated): gnomAD exomes below 0.00001.
gnomAD v4.1: 1 of 1,535,880 alleles (0.000065%); highest among the groups gnomAD compares: South Asian, 0.0013%; no homozygotes.

Submission:

Labcorp Genetics (formerly Invitae), Labcorp
Classification: Uncertain significance. Last evaluated: 2023-03-03. Review status: criteria provided, single submitter. Criteria: Invitae Variant Classification Sherloc (09022015). Collection method: clinical testing. Allele origin: germline.
Comment: In summary, the available evidence is currently insufficient to determine the role of this variant in disease. Therefore, it has been classified as a Variant of Uncertain Significance. Advanced modeling of protein sequence and biophysical properties (such as structural, functional, and spatial information, amino acid conservation, physicochemical variation, residue mobility, and thermodynamic stability) performed at Invitae indicates that this missense variant is expected to disrupt DGAT1 protein function. This variant has not been reported in the literature in individuals affected with DGAT1-related conditions. This variant is not present in population databases (gnomAD no frequency). This sequence change replaces asparagine, which is neutral and polar, with aspartic acid, which is acidic and polar, at codon 246 of the DGAT1 protein (p.Asn246Asp).

NM_012079.6(DGAT1):c.736A>G (p.Asn246Asp)

Gene: DGAT1 (diacylglycerol O-acyltransferase 1; minus strand). Cytogenetic location: 8q24.3.
Variant type: single nucleotide variant.
Coding change: c.736A>G on transcript NM_012079.6 (MANE Select); coding-DNA position 736, A replaced by G.
Protein change: p.Asn246Asp; replaces asparagine 246 with aspartic acid.
Molecular consequence: missense variant.
Genome position (GRCh38, 1-based): chr8:144,318,110, T>C on the plus strand (A>G on the coding strand, the complement: DGAT1 is on the minus strand). VCF-style: chr8-144318110-T-C. GRCh37 (hg19) VCF-style: chr8-145541773-T-C.
Other names: short protein forms N246D.
Identifiers: ClinVar variation 2842667 (VCV002842667.3), dbSNP rs1817310061, ClinGen allele CA372611963.